The following is an entry in ClinVar:

NM_001374736.1(DST):c.3148A>G (p.Ser1050Gly)

Gene: DST (dystonin; minus strand). Cytogenetic location: 6p12.1.
Variant type: single nucleotide variant.
Coding change: c.3148A>G on transcript NM_001374736.1 (MANE Select); coding-DNA position 3148, A replaced by G.
Protein change: p.Ser1050Gly; replaces serine 1050 with glycine.
Molecular consequence: missense variant.
Genome position (GRCh38, 1-based): chr6:56,635,627, T>C on the plus strand (A>G on the coding strand, the complement: DST is on the minus strand). VCF-style: chr6-56635627-T-C. GRCh37 (hg19) VCF-style: chr6-56500425-T-C.
Other names: c.3049A>G, p.Ser1017Gly (NM_001144769.5); c.2635A>G, p.Ser879Gly (NM_001144770.2); c.3148A>G, p.Ser1050Gly (NM_001374722.1); c.2515A>G, p.Ser839Gly (NM_001374729.1, NM_001374730.1, NM_001386100.1 and 1 more transcripts); c.3175A>G, p.Ser1059Gly (NM_001374734.1); c.1537A>G, p.Ser513Gly (NM_001723.7, NM_015548.5); short protein forms S1017G, S1050G, S839G, S513G, S1059G, S879G.
Identifiers: ClinVar variation 2093289 (VCV002093289.2), dbSNP rs1563350044, ClinGen allele CA364576622.

ClinVar aggregate classification (germline): Uncertain significance (1 of 4 stars; one submission).

Conditions:
Epidermolysis bullosa simplex 3, localized or generalized intermediate, with BP230 deficiency (EBS3). Also called: Epidermolysis bullosa simplex due to BP230 deficiency; Epidermolysis bullosa simplex, autosomal recessive 2. Identifiers: Orphanet 412181, MedGen C3809470, MONDO:0014180, OMIM 615425.
Hereditary sensory and autonomic neuropathy type 6. Also called: HSAN VI; Neuropathy, hereditary sensory and autonomic, type VI. Identifiers: Orphanet 314381, MedGen C3539003, MONDO:0013839, OMIM 614653.

Allele frequency attached by ClinVar (database versions not stated): gnomAD exomes below 0.00001.
gnomAD v4.1: 1 of 1,614,054 alleles (0.000062%); highest among the groups gnomAD compares: Admixed American, 0.0017%; no homozygotes.

Submission:

Labcorp Genetics (formerly Invitae), Labcorp
Classification: Uncertain significance for Epidermolysis bullosa simplex 3, localized or generalized intermediate, with BP230 deficiency; Hereditary sensory and autonomic neuropathy type 6. Last evaluated: 2022-10-25. Review status: criteria provided, single submitter. Criteria: Invitae Variant Classification Sherloc (09022015). Collection method: clinical testing. Allele origin: germline.
Comment: This variant has not been reported in the literature in individuals affected with DST-related conditions. In summary, the available evidence is currently insufficient to determine the role of this variant in disease. Therefore, it has been classified as a Variant of Uncertain Significance. Algorithms developed to predict the effect of missense changes on protein structure and function (SIFT, PolyPhen-2, Align-GVGD) all suggest that this variant is likely to be disruptive. This variant is not present in population databases (gnomAD no frequency). This sequence change replaces serine, which is neutral and polar, with glycine, which is neutral and non-polar, at codon 513 of the DST protein (p.Ser513Gly).